The following is an entry in ClinVar:

NM_021098.3(CACNA1H):c.6131C>A (p.Thr2044Asn)

Gene: CACNA1H (calcium voltage-gated channel subunit alpha1 H; plus strand). Cytogenetic location: 16p13.3.
Variant type: single nucleotide variant.
Coding change: c.6131C>A on transcript NM_021098.3 (MANE Select); coding-DNA position 6131, C replaced by A.
Protein change: p.Thr2044Asn; replaces threonine 2044 with asparagine.
Molecular consequence: missense variant.
Genome position (GRCh38, 1-based): chr16:1,220,063, C>A. VCF-style: chr16-1220063-C-A. GRCh37 (hg19) VCF-style: chr16-1270063-C-A.
Other names: c.6113C>A, p.Thr2038Asn (NM_001005407.2); short protein forms T2038N, T2044N.
Identifiers: ClinVar variation 1028717 (VCV001028717.5), dbSNP rs1567558436, ClinGen allele CA394149143.

ClinVar aggregate classification (germline): Uncertain significance. Review status: criteria provided, multiple submitters, no conflicts (2 of 4 stars). 3 submissions from 3 submitters: Uncertain significance (3). Last evaluated 2024-06-03.

Conditions:
Epilepsy, childhood absence, susceptibility to, 6. Identifiers: Orphanet 64280, MedGen C2749872, MONDO:0012763, OMIM 611942.
Hyperaldosteronism, familial, type IV (HALD4). Also called: FH IV; ALDOSTERONISM, PRIMARY, AND HYPERTENSION. Identifiers: Orphanet 642671, MedGen C4310756, MONDO:0014875, OMIM 617027.
Idiopathic generalized epilepsy. Also called: EIG; Generalised epilepsy. Identifiers: MedGen C0270850, MONDO:0005579, OMIM 600669.

Submissions (3):

Labcorp Genetics (formerly Invitae), Labcorp
Classification: Uncertain significance for Idiopathic generalized epilepsy; Hyperaldosteronism, familial, type IV. Last evaluated: 2024-06-03. Review status: criteria provided, single submitter. Criteria: Invitae Variant Classification Sherloc (09022015). Collection method: clinical testing. Allele origin: germline.
Comment: This sequence change replaces threonine, which is neutral and polar, with asparagine, which is neutral and polar, at codon 2044 of the CACNA1H protein (p.Thr2044Asn). This variant is not present in population databases (gnomAD no frequency). This variant has not been reported in the literature in individuals affected with CACNA1H-related conditions. ClinVar contains an entry for this variant (Variation ID: 1028717). Advanced modeling of protein sequence and biophysical properties (such as structural, functional, and spatial information, amino acid conservation, physicochemical variation, residue mobility, and thermodynamic stability) performed at Invitae indicates that this missense variant is not expected to disrupt CACNA1H protein function with a negative predictive value of 80%. In summary, the available evidence is currently insufficient to determine the role of this variant in disease. Therefore, it has been classified as a Variant of Uncertain Significance.

Fulgent Genetics
Classification: Uncertain significance for Epilepsy, childhood absence, susceptibility to, 6; Hyperaldosteronism, familial, type IV. Last evaluated: 2022-03-24. Review status: criteria provided, single submitter. Criteria: ACMG Guidelines, 2015. Collection method: clinical testing. Allele origin: unknown.

Baylor Genetics
Classification: Uncertain significance for Epilepsy, childhood absence, susceptibility to, 6. Last evaluated: 2019-03-28. Review status: criteria provided, single submitter. Criteria: ACMG Guidelines, 2015. Collection method: clinical testing. Allele origin: unknown. Affected: yes.
Comment: This variant was determined to be of uncertain significance according to ACMG Guidelines, 2015 [PMID:25741868].